The following is an entry in ClinVar:

NM_001008537.3(NEXMIF):c.334T>A (p.Trp112Arg)

Gene: NEXMIF (neurite extension and migration factor; minus strand). Cytogenetic location: Xq13.3.
Variant type: single nucleotide variant.
Coding change: c.334T>A on transcript NM_001008537.3 (MANE Select); coding-DNA position 334, T replaced by A.
Protein change: p.Trp112Arg; replaces tryptophan 112 with arginine.
Molecular consequence: missense variant.
Genome position (GRCh38, 1-based): chrX:74,744,223, A>T on the plus strand (T>A on the coding strand, the complement: NEXMIF is on the minus strand). VCF-style: chrX-74744223-A-T. GRCh37 (hg19) VCF-style: chrX-73964058-A-T.
Other names: short protein forms W112R.
Identifiers: ClinVar variation 843059 (VCV000843059.10), dbSNP rs2080118303, ClinGen allele CA413673820.
Genomic context (GRCh38, chrX:74,744,223, plus strand): 5'-ACATGCCTGCAGGCTCCATTATGGCAAATGGAGCTTTCTCACATTCATTGGGAAGTGACC[A>T]TGTGTTCAGGCCTTTTGCAATGCCAGATGTGAGGGAGATGGCATTCACAGAAGCACTATT-3'
Protein context (NP_001008537.1, residues 102-122): TSGIAKGLNT[Trp112Arg]SLPNECEKAP

ClinVar aggregate classification (germline): Uncertain significance. Review status: criteria provided, multiple submitters, no conflicts (2 of 4 stars). 2 submissions from 2 submitters: Uncertain significance (2). Last evaluated 2025-12-29.

Submissions (2):

Labcorp Genetics (formerly Invitae), Labcorp
Classification: Uncertain significance. Last evaluated: 2025-12-29. Review status: criteria provided, single submitter. Criteria: Invitae Variant Classification Sherloc (09022015). Collection method: clinical testing. Allele origin: germline.
Comment: This sequence change replaces tryptophan, which is neutral and slightly polar, with arginine, which is basic and polar, at codon 112 of the NEXMIF protein (p.Trp112Arg). This variant is not present in population databases (gnomAD no frequency). This variant has not been reported in the literature in individuals affected with NEXMIF-related conditions. ClinVar contains an entry for this variant (Variation ID: 843059). An algorithm developed to predict the effect of missense changes on protein structure and function (PolyPhen-2) suggests that this variant is likely to be disruptive. In summary, the available evidence is currently insufficient to determine the role of this variant in disease. Therefore, it has been classified as a Variant of Uncertain Significance.

Athena Diagnostics
Classification: Uncertain significance. Last evaluated: 2024-09-30. Review status: criteria provided, single submitter. Criteria: Athena Diagnostics Criteria. Collection method: clinical testing. Allele origin: unknown.
Comment: Available data are insufficient to determine the clinical significance of the variant at this time. This variant has not been reported in large, multi-ethnic general populations. Polyphen and MutationTaster yielded discordant predictions regarding whether this amino acid change is damaging to the protein.